The following is an entry in ClinVar:

ClinVar aggregate classification (germline): Uncertain significance (1 of 4 stars; one submission).

Submission:

Labcorp Genetics (formerly Invitae), Labcorp
Classification: Uncertain significance. Last evaluated: 2022-07-05. Review status: criteria provided, single submitter. Criteria: Invitae Variant Classification Sherloc (09022015). Collection method: clinical testing. Allele origin: germline.
Comment: This sequence change falls in intron 41 of the ATR gene. It does not directly change the encoded amino acid sequence of the ATR protein. It affects a nucleotide within the consensus splice site. This variant is not present in population databases (gnomAD no frequency). This variant has not been reported in the literature in individuals affected with ATR-related conditions. Variants that disrupt the consensus splice site are a relatively common cause of aberrant splicing (PMID: 17576681, 9536098). Algorithms developed to predict the effect of sequence changes on RNA splicing suggest that this variant may disrupt the consensus splice site. In summary, the available evidence is currently insufficient to determine the role of this variant in disease. Therefore, it has been classified as a Variant of Uncertain Significance.

Literature cited by the submitters: PubMed 17576681; PubMed 9536098.

NM_001184.4(ATR):c.7041+4G>A

Gene: ATR (ATR checkpoint kinase; minus strand). Cytogenetic location: 3q23.
Variant type: single nucleotide variant.
Coding change: c.7041+4G>A on transcript NM_001184.4 (MANE Select); 4 bases into the intron after coding-DNA position 7041, G replaced by A.
Molecular consequence: intron variant.
Genome position (GRCh38, 1-based): chr3:142,465,093, C>T on the plus strand (G>A on the coding strand, the complement: ATR is on the minus strand). VCF-style: chr3-142465093-C-T. GRCh37 (hg19) VCF-style: chr3-142183935-C-T.
Other names: c.6849+4G>A (NM_001354579.2).
Identifiers: ClinVar variation 2188964 (VCV002188964.4), dbSNP rs113544835, ClinGen allele CA1406989887.
Genomic context (GRCh38, chr3:142,465,093, plus strand): 5'-ATAGTCAAAAATTTTTTTAAAATAAAAAATAAATAAATAAAATAAAAGCAAACTATCTCC[C>T]AACCTTATTAATCAAGGAATTGAATTCCATTAGTCTACAATCCTTTCTCAGGTCATCTTT-3'